The following is an entry in ClinVar:

ClinVar aggregate classification (germline): Conflicting classifications of pathogenicity. Review status: criteria provided, conflicting classifications (1 of 4 stars). 2 submissions from 2 submitters: Pathogenic (1); Uncertain significance (1). Last evaluated 2024-06-18.

Conditions:
Hereditary spastic paraplegia 3A (SPG3A). Also called: SPASTIC PARAPLEGIA 3, AUTOSOMAL DOMINANT; FAMILIAL SPASTIC PARAPLEGIA, AUTOSOMAL DOMINANT, 1; Spastic paraplegia 3A, autosomal dominant; SPG3; STRUMPELL DISEASE; Spastic Paraplegia 3A. Identifiers: Orphanet 100984, MedGen C2931355, MONDO:0008437, OMIM 182600.

Submissions (2):

Labcorp Genetics (formerly Invitae), Labcorp
Classification: Pathogenic for Hereditary spastic paraplegia 3A. Last evaluated: 2024-06-18. Review status: criteria provided, single submitter. Criteria: Invitae Variant Classification Sherloc (09022015). Collection method: clinical testing. Allele origin: germline.
Comment: This sequence change creates a premature translational stop signal (p.Val506*) in the ATL1 gene. It is expected to result in an absent or disrupted protein product. Loss-of-function variants in ATL1 are known to be pathogenic (PMID: 26888483). This variant is not present in population databases (gnomAD no frequency). This variant has not been reported in the literature in individuals affected with ATL1-related conditions. ClinVar contains an entry for this variant (Variation ID: 1302614). Algorithms developed to predict the effect of sequence changes on RNA splicing suggest that this variant may disrupt the consensus splice site. For these reasons, this variant has been classified as Pathogenic.

GeneDx
Classification: Uncertain significance. Last evaluated: 2019-04-16. Review status: criteria provided, single submitter. Criteria: GeneDx Variant Classification Process June 2021. Collection method: clinical testing. Allele origin: germline. Affected: yes.
Comment: Not observed in large population cohorts (Lek et al., 2016); Nonsense variant predicted to result in protein truncation or nonsense mediated decay in a gene for which loss-of-function is not a known mechanism of disease; Has not been previously published as pathogenic or benign to our knowledge

Literature cited by the submitters: PubMed 26888483 (cited by Labcorp Genetics (formerly Invitae), Labcorp).

NM_015915.5(ATL1):c.1516del (p.Ala505_Val506insTer)

Gene: ATL1 (atlastin GTPase 1; plus strand). Cytogenetic location: 14q22.1.
Variant type: Deletion.
Coding change: c.1516del on transcript NM_015915.5 (MANE Select); coding-DNA position 1516, one base deleted (G; older notation c.1516delG).
Protein change: p.Ala505_Val506insTer.
Molecular consequence: nonsense.
Genome position (GRCh38, 1-based): chr14:50,628,427, G deleted. VCF-style (leftmost placement, unchanged base first): chr14-50628426-TG-T. GRCh37 (hg19) VCF-style: chr14-51095144-TG-T.
Other names: c.1516del, p.Ala505_Val506insTer (NM_001127713.1, NM_181598.4).
Identifiers: ClinVar variation 1302614 (VCV001302614.4), dbSNP rs2140239426, ClinGen allele CA2573053916.